The following is an entry in ClinVar:

NM_014874.4(MFN2):c.1225G>C (p.Glu409Gln)

Gene: MFN2 (mitofusin 2; plus strand). Cytogenetic location: 1p36.22.
Variant type: single nucleotide variant.
Coding change: c.1225G>C on transcript NM_014874.4 (MANE Select); coding-DNA position 1225, G replaced by C.
Protein change: p.Glu409Gln; replaces glutamic acid 409 with glutamine.
Molecular consequence: missense variant.
Genome position (GRCh38, 1-based): chr1:12,004,056, G>C. VCF-style: chr1-12004056-G-C. GRCh37 (hg19) VCF-style: chr1-12064113-G-C.
Other names: c.1225G>C, p.Glu409Gln (NM_001127660.2); short protein forms E409Q.
Identifiers: ClinVar variation 2053444 (VCV002053444.4), dbSNP rs370736142, ClinGen allele CA599053.

ClinVar aggregate classification (germline): Uncertain significance (1 of 4 stars; one submission).

Conditions:
Charcot-Marie-Tooth disease type 2. Also called: Charcot-Marie-Tooth type 2. Identifiers: Orphanet 64746, MedGen C0270914, MONDO:0018993.

Allele frequency attached by ClinVar (database versions not stated): ExAC 0.00002; ESP Exome Variant Server 0.00008; gnomAD 0.00008.
gnomAD v4.1: 21 of 1,614,056 alleles (0.0013%); highest among the groups gnomAD compares: African/African-American, 0.027%; no homozygotes.

Submission:

Labcorp Genetics (formerly Invitae), Labcorp
Classification: Uncertain significance for Charcot-Marie-Tooth disease type 2. Last evaluated: 2025-08-17. Review status: criteria provided, single submitter. Criteria: Invitae Variant Classification Sherloc (09022015). Collection method: clinical testing. Allele origin: germline.
Comment: This sequence change replaces glutamic acid, which is acidic and polar, with glutamine, which is neutral and polar, at codon 409 of the MFN2 protein (p.Glu409Gln). This variant is present in population databases (rs370736142, gnomAD 0.03%). This variant has not been reported in the literature in individuals affected with MFN2-related conditions. ClinVar contains an entry for this variant (Variation ID: 2053444). Invitae Evidence Modeling of protein sequence and biophysical properties (such as structural, functional, and spatial information, amino acid conservation, physicochemical variation, residue mobility, and thermodynamic stability) indicates that this missense variant is not expected to disrupt MFN2 protein function with a negative predictive value of 80%. In summary, the available evidence is currently insufficient to determine the role of this variant in disease. Therefore, it has been classified as a Variant of Uncertain Significance.